The following is an entry in ClinVar:

ClinVar aggregate classification (germline): Uncertain significance (1 of 4 stars; one submission).

Allele frequency attached by ClinVar (database versions not stated): gnomAD 0.00001.
gnomAD v4.1: 1 of 1,609,190 alleles (0.000062%); highest among the groups gnomAD compares: African/African-American, 0.0013%; no homozygotes.

Submission:

Labcorp Genetics (formerly Invitae), Labcorp
Classification: Uncertain significance. Last evaluated: 2021-10-12. Review status: criteria provided, single submitter. Criteria: Invitae Variant Classification Sherloc (09022015). Collection method: clinical testing. Allele origin: germline.
Comment: In summary, the available evidence is currently insufficient to determine the role of this variant in disease. Therefore, it has been classified as a Variant of Uncertain Significance. Algorithms developed to predict the effect of missense changes on protein structure and function (SIFT, PolyPhen-2, Align-GVGD) all suggest that this variant is likely to be tolerated. This variant has not been reported in the literature in individuals affected with SP7-related conditions. This variant is not present in population databases (ExAC no frequency). This sequence change replaces glycine with arginine at codon 259 of the SP7 protein (p.Gly259Arg). The glycine residue is moderately conserved and there is a moderate physicochemical difference between glycine and arginine.

NM_001173467.3(SP7):c.775G>C (p.Gly259Arg)

Gene: SP7 (Sp7 transcription factor; minus strand). Cytogenetic location: 12q13.13.
Variant type: single nucleotide variant.
Coding change: c.775G>C on transcript NM_001173467.3 (MANE Select); coding-DNA position 775, G replaced by C.
Protein change: p.Gly259Arg; replaces glycine 259 with arginine.
Molecular consequence: missense variant.
Genome position (GRCh38, 1-based): chr12:53,328,667, C>G on the plus strand (G>C on the coding strand, the complement: SP7 is on the minus strand). VCF-style: chr12-53328667-C-G. GRCh37 (hg19) VCF-style: chr12-53722451-C-G.
Other names: c.721G>C, p.Gly241Arg (NM_001300837.2); c.775G>C, p.Gly259Arg (NM_152860.2); short protein forms G259R, G241R.
Identifiers: ClinVar variation 1382057 (VCV001382057.6), dbSNP rs1477891287, ClinGen allele CA385052555.